The following is an entry in ClinVar:

NM_014363.6(SACS):c.176C>G (p.Ser59Cys)

Gene: SACS (sacsin molecular chaperone; minus strand). Cytogenetic location: 13q12.12.
Variant type: single nucleotide variant.
Coding change: c.176C>G on transcript NM_014363.6 (MANE Select); coding-DNA position 176, C replaced by G.
Protein change: p.Ser59Cys; replaces serine 59 with cysteine.
Molecular consequence: missense variant. On other transcripts: intron variant (1).
Genome position (GRCh38, 1-based): chr13:23,371,161, G>C on the plus strand (C>G on the coding strand, the complement: SACS is on the minus strand). VCF-style: chr13-23371161-G-C. GRCh37 (hg19) VCF-style: chr13-23945300-G-C.
Other names: c.-182-2674C>G (NM_001278055.2); short protein forms S59C.
Identifiers: ClinVar variation 1516059 (VCV001516059.5), dbSNP rs773543202, ClinGen allele CA387553968.

ClinVar aggregate classification (germline): Uncertain significance (1 of 4 stars; one submission).

Conditions:
Spastic paraplegia. Identifiers: MedGen C0037772, HP:0001258.

Allele frequency attached by ClinVar (database versions not stated): gnomAD 0.00001.

Submission:

Labcorp Genetics (formerly Invitae), Labcorp
Classification: Uncertain significance for Spastic paraplegia. Last evaluated: 2021-10-14. Review status: criteria provided, single submitter. Criteria: Invitae Variant Classification Sherloc (09022015). Collection method: clinical testing. Allele origin: germline.
Comment: This sequence change replaces serine with cysteine at codon 59 of the SACS protein (p.Ser59Cys). The serine residue is weakly conserved and there is a moderate physicochemical difference between serine and cysteine. This variant is not present in population databases (ExAC no frequency). This variant has not been reported in the literature in individuals affected with SACS-related conditions. Advanced modeling of protein sequence and biophysical properties (such as structural, functional, and spatial information, amino acid conservation, physicochemical variation, residue mobility, and thermodynamic stability) performed at Invitae indicates that this missense variant is not expected to disrupt SACS protein function. In summary, the available evidence is currently insufficient to determine the role of this variant in disease. Therefore, it has been classified as a Variant of Uncertain Significance.